The following is an entry in ClinVar:

ClinVar aggregate classification (germline): Uncertain significance (1 of 4 stars; one submission).

Submission:

GeneDx
Classification: Uncertain significance. Last evaluated: 2025-03-14. Review status: criteria provided, single submitter. Criteria: GeneDx Variant Classification Process June 2021. Collection method: clinical testing. Allele origin: germline. Affected: yes.
Comment: Not observed at significant frequency in large population cohorts (gnomAD); In silico analysis supports that this missense variant has a deleterious effect on protein structure/function; Has not been previously published as pathogenic or benign to our knowledge

NM_004958.4(MTOR):c.6224G>A (p.Gly2075Asp)

Gene: MTOR (mechanistic target of rapamycin kinase; minus strand). Cytogenetic location: 1p36.22.
Variant type: single nucleotide variant.
Coding change: c.6224G>A on transcript NM_004958.4 (MANE Select); coding-DNA position 6224, G replaced by A.
Protein change: p.Gly2075Asp; replaces glycine 2075 with aspartic acid.
Molecular consequence: missense variant.
Genome position (GRCh38, 1-based): chr1:11,127,137, C>T on the plus strand (G>A on the coding strand, the complement: MTOR is on the minus strand). VCF-style: chr1-11127137-C-T. GRCh37 (hg19) VCF-style: chr1-11187194-C-T.
Other names: c.6224G>A, p.Gly2075Asp (NM_001386500.1); c.4976G>A, p.Gly1659Asp (NM_001386501.1); short protein forms G1659D, G2075D.
Identifiers: ClinVar variation 4083280 (VCV004083280.1).